The following is an entry in ClinVar:

NM_001257293.2(HNRNPH1):c.968C>T (p.Pro323Leu)

Genes: HNRNPH1 (heterogeneous nuclear ribonucleoprotein H1; minus strand), LOC128966623 (uncharacterized LOC128966623; plus strand). Cytogenetic location: 5q35.3.
Variant type: single nucleotide variant.
Coding change: c.968C>T on transcript NM_001257293.2 (MANE Select); coding-DNA position 968, C replaced by T.
Protein change: p.Pro323Leu; replaces proline 323 with leucine.
Molecular consequence: missense variant.
Genome position (GRCh38, 1-based): chr5:179,617,603, G>A on the plus strand (C>T on the coding strand, the complement: HNRNPH1 is on the minus strand). VCF-style: chr5-179617603-G-A. GRCh37 (hg19) VCF-style: chr5-179044604-G-A.
Other names: c.968C>T, p.Pro323Leu (NM_001363572.2, NM_001364225.2, NM_001364226.2 and 27 more transcripts); c.947C>T, p.Pro316Leu (NM_001364240.2, NM_001364241.2, NM_001364242.2 and 6 more transcripts); c.812C>T, p.Pro271Leu (NM_001364250.2); c.365C>T, p.Pro122Leu (NM_001364251.2, NM_001364252.2, NM_001364253.2 and 4 more transcripts); c.737C>T, p.Pro246Leu (NM_001395190.1); c.650C>T, p.Pro217Leu (NM_001395191.1, NM_001395192.1); c.557C>T, p.Pro186Leu (NM_001395193.1); short protein forms P122L, P186L, P217L, P246L, P271L, P316L, P323L.
Identifiers: ClinVar variation 4975685 (VCV004975685.1).

ClinVar aggregate classification (germline): Uncertain significance (1 of 4 stars; one submission).

Submission:

GeneDx
Classification: Uncertain significance. Last evaluated: 2026-01-29. Review status: criteria provided, single submitter. Criteria: GeneDx Variant Classification Process June 2021. Collection method: clinical testing. Allele origin: germline.
Comment: Not observed at significant frequency in large population cohorts (gnomAD); In silico analysis supports that this missense variant has a deleterious effect on protein structure/function; In silico analysis suggests this variant may impact gene splicing. In the absence of RNA/functional studies, the actual effect of this sequence change is unknown.; Has not been previously published as pathogenic or benign to our knowledge